The following is an entry in ClinVar:

ClinVar aggregate classification (germline): Uncertain significance (1 of 4 stars; one submission).

Conditions:
Combined immunodeficiency due to LRBA deficiency. Also called: Common variable immunodeficiency 8, with autoimmunity. Identifiers: Orphanet 445018, MedGen C3553512, MONDO:0013863, OMIM 614700.

Allele frequency attached by ClinVar (database versions not stated): gnomAD exomes 0.00001.
gnomAD v4.1: 11 of 1,600,340 alleles (0.00069%); highest among the groups gnomAD compares: South Asian, 0.0011%; no homozygotes.

Submission:

Labcorp Genetics (formerly Invitae), Labcorp
Classification: Uncertain significance for Combined immunodeficiency due to LRBA deficiency. Last evaluated: 2024-10-22. Review status: criteria provided, single submitter. Criteria: Invitae Variant Classification Sherloc (09022015). Collection method: clinical testing. Allele origin: germline.
Comment: This sequence change replaces histidine, which is basic and polar, with arginine, which is basic and polar, at codon 186 of the LRBA protein (p.His186Arg). This variant is present in population databases (no rsID available, gnomAD 0.007%). This variant has not been reported in the literature in individuals affected with LRBA-related conditions. ClinVar contains an entry for this variant (Variation ID: 1525003). Invitae Evidence Modeling of protein sequence and biophysical properties (such as structural, functional, and spatial information, amino acid conservation, physicochemical variation, residue mobility, and thermodynamic stability) indicates that this missense variant is expected to disrupt LRBA protein function with a positive predictive value of 80%. In summary, the available evidence is currently insufficient to determine the role of this variant in disease. Therefore, it has been classified as a Variant of Uncertain Significance.

NM_001364905.1(LRBA):c.557A>G (p.His186Arg)

Gene: LRBA (LPS responsive beige-like anchor protein; minus strand). Cytogenetic location: 4q31.3.
Variant type: single nucleotide variant.
Coding change: c.557A>G on transcript NM_001364905.1 (MANE Select); coding-DNA position 557, A replaced by G.
Protein change: p.His186Arg; replaces histidine 186 with arginine.
Molecular consequence: missense variant.
Genome position (GRCh38, 1-based): chr4:150,921,286, T>C on the plus strand (A>G on the coding strand, the complement: LRBA is on the minus strand). VCF-style: chr4-150921286-T-C. GRCh37 (hg19) VCF-style: chr4-151842438-T-C.
Other names: c.557A>G, p.His186Arg (NM_001199282.3, NM_001367550.1, NM_006726.5); short protein forms H186R.
Identifiers: ClinVar variation 1525003 (VCV001525003.6), dbSNP rs1315109944, ClinGen allele CA358437375.
Genomic context (GRCh38, chr4:150,921,286, plus strand): 5'-AAGGCATCAGGACCATACTTCTGAGGCATATGCTTTAACACAGACAGCAACTTCCCAGCA[T>C]GTGGAGGCTATGAAGATAATTAACAATTCATTAACCACATTATTTACCATAAGATAAAAA-3'
Protein context (NP_001351834.1, residues 176-196): LQGDKGRWPP[His186Arg]AGKLLSVLKH